The following is an entry in ClinVar:

ClinVar aggregate classification (germline): Uncertain significance. Review status: criteria provided, multiple submitters, no conflicts (2 of 4 stars). 2 submissions from 2 submitters: Uncertain significance (2). Last evaluated 2026-02-23.

Conditions:
Hereditary cancer-predisposing syndrome. Also called: Neoplastic Syndromes, Hereditary; Tumor predisposition; Hereditary Cancer Syndrome; Hereditary neoplastic syndrome. Identifiers: Orphanet 140162, MedGen C0027672, MeSH D009386, MONDO:0015356.
Ataxia-telangiectasia syndrome (AT). Also called: Cerebello-oculocutaneous telangiectasia; Immunodeficiency with ataxia telangiectasia; LOUIS-BAR SYNDROME; Ataxia-telangiectasia, complementation group D; AT, COMPLEMENTATION GROUP C; ATAXIA-TELANGIECTASIA, COMPLEMENTATION GROUP A. Identifiers: Orphanet 100, MedGen C0004135, MONDO:0008840, OMIM 208900.

Submissions (2):

Ambry Genetics
Classification: Uncertain significance for Hereditary cancer-predisposing syndrome. Last evaluated: 2026-02-23. Review status: criteria provided, single submitter. Criteria: Ambry Variant Classification Scheme 2023. Collection method: clinical testing. Allele origin: germline.
Comment: The p.N813K variant (also known as c.2439T>A), located in coding exon 15 of the ATM gene, results from a T to A substitution at nucleotide position 2439. The asparagine at codon 813 is replaced by lysine, an amino acid with similar properties. In an assay testing ATM function, this variant showed a functionally normal result (Lee KS et al. Cell, 2025 Sep;188:5081-5099.e27). This amino acid position is highly conserved in available vertebrate species. In addition, this alteration is predicted to be tolerated by in silico analysis. Based on the available evidence, the clinical significance of this variant remains unclear.

Labcorp Genetics (formerly Invitae), Labcorp
Classification: Uncertain significance for Ataxia-telangiectasia syndrome. Last evaluated: 2022-02-23. Review status: criteria provided, single submitter. Criteria: Invitae Variant Classification Sherloc (09022015). Collection method: clinical testing. Allele origin: germline.
Comment: This variant is not present in population databases (gnomAD no frequency). This variant has not been reported in the literature in individuals affected with ATM-related conditions. Advanced modeling of protein sequence and biophysical properties (such as structural, functional, and spatial information, amino acid conservation, physicochemical variation, residue mobility, and thermodynamic stability) performed at Invitae indicates that this missense variant is not expected to disrupt ATM protein function. In summary, the available evidence is currently insufficient to determine the role of this variant in disease. Therefore, it has been classified as a Variant of Uncertain Significance. This sequence change replaces asparagine, which is neutral and polar, with lysine, which is basic and polar, at codon 813 of the ATM protein (p.Asn813Lys).

Literature cited by the submitters: PubMed 40580951 (cited by Ambry Genetics).

NM_000051.4(ATM):c.2439T>A (p.Asn813Lys)

Gene: ATM (ATM serine/threonine kinase; plus strand). Cytogenetic location: 11q22.3.
Variant type: single nucleotide variant.
Coding change: c.2439T>A on transcript NM_000051.4 (MANE Select); coding-DNA position 2439, T replaced by A.
Protein change: p.Asn813Lys; replaces asparagine 813 with lysine.
Molecular consequence: missense variant.
Genome position (GRCh38, 1-based): chr11:108,259,048, T>A. VCF-style: chr11-108259048-T-A. GRCh37 (hg19) VCF-style: chr11-108129775-T-A.
Other names: c.2439T>A, p.Asn813Lys (NM_001351834.2); short protein forms N813K.
Identifiers: ClinVar variation 2100950 (VCV002100950.5), dbSNP rs2135421901, ClinGen allele CA382541321.